The following is an entry in ClinVar:

NM_000444.6(PHEX):c.1306G>T (p.Glu436Ter)

Gene: PHEX (phosphate regulating endopeptidase X-linked; plus strand). Cytogenetic location: Xp22.11.
Variant type: single nucleotide variant.
Coding change: c.1306G>T on transcript NM_000444.6 (MANE Select); coding-DNA position 1306, G replaced by T.
Protein change: p.Glu436Ter; replaces glutamic acid 436 with a stop codon.
Molecular consequence: nonsense.
Genome position (GRCh38, 1-based): chrX:22,133,526, G>T. VCF-style: chrX-22133526-G-T. GRCh37 (hg19) VCF-style: chrX-22151643-G-T.
Other names: NC_000023.10:g.22151643G>T; c.1306G>T, p.Glu436Ter (NM_001282754.2); short protein forms E436*.
Identifiers: ClinVar variation 4484922 (VCV004484922.2).

ClinVar aggregate classification (germline): Pathogenic (1 of 4 stars; one submission).

Submissions (2):

Labcorp Genetics (formerly Invitae), Labcorp
Classification: Pathogenic. Last evaluated: 2025-07-06. Review status: criteria provided, single submitter. Criteria: Invitae Variant Classification Sherloc (09022015). Collection method: clinical testing. Allele origin: germline.
Comment: This sequence change creates a premature translational stop signal (p.Glu436*) in the PHEX gene. It is expected to result in an absent or disrupted protein product. Loss-of-function variants in PHEX are known to be pathogenic (PMID: 9097956, 9106524, 19219621). This variant is not present in population databases (gnomAD no frequency). This variant has not been reported in the literature in individuals affected with PHEX-related conditions. For these reasons, this variant has been classified as Pathogenic.

Dr. Peter K. Rogan Lab, Western University
No classification provided (evidence only). Condition: Thyroid cancer, nonmedullary, 1. Review status: no classification provided. Collection method: in vitro. Allele origin: not applicable. Functional consequence: retained intron. Not counted in ClinVar's aggregate classification.

Literature cited by the submitters: PubMed 9097956 (cited by Labcorp Genetics (formerly Invitae), Labcorp); PubMed 9106524 (cited by Labcorp Genetics (formerly Invitae), Labcorp); PubMed 19219621 (cited by Labcorp Genetics (formerly Invitae), Labcorp).